The following is an entry in ClinVar:

NM_015909.4(NBAS):c.209+2T>G

Gene: NBAS (NBAS subunit of NRZ tethering complex; minus strand). Cytogenetic location: 2p24.3.
Variant type: single nucleotide variant.
Coding change: c.209+2T>G on transcript NM_015909.4 (MANE Select); the canonical splice donor site of the intron after coding-DNA position 209, T replaced by G.
Molecular consequence: splice donor variant.
Genome position (GRCh38, 1-based): chr2:15,556,781, A>C on the plus strand (T>G on the coding strand, the complement: NBAS is on the minus strand). VCF-style: chr2-15556781-A-C. GRCh37 (hg19) VCF-style: chr2-15696905-A-C.
Identifiers: ClinVar variation 2003157 (VCV002003157.5), dbSNP rs773409140, ClinGen allele CA1537178.

ClinVar aggregate classification (germline): Pathogenic/Likely pathogenic. Review status: criteria provided, multiple submitters, no conflicts (2 of 4 stars). 2 submissions from 2 submitters: Pathogenic (1); Likely pathogenic (1). Last evaluated 2025-04-23.

Allele frequency attached by ClinVar (database versions not stated): gnomAD 0.00001; TOPMed 0.00003; ExAC 0.00001.
gnomAD v4.1: 13 of 1,608,974 alleles (0.00081%); highest among the groups gnomAD compares: Admixed American, 0.0067%; no homozygotes.

Submissions (2):

Dasa
Classification: Pathogenic. Last evaluated: 2025-04-23. Review status: criteria provided, single submitter. Criteria: DASA Assertion Criteria. Collection method: clinical testing. Allele origin: germline.
Comment: NM_015909.4(NBAS):c.209+2T>G introduces a premature termination codon predicted to result in loss of normal protein function. Loss-of-function is an established mechanism of disease for this gene. This variant results in the same amino acid change as a previously established pathogenic variant. The variant is present at low frequency in population datasets. Based on the available data, this variant is classified as pathogenic.

Labcorp Genetics (formerly Invitae), Labcorp
Classification: Likely pathogenic. Last evaluated: 2025-02-11. Review status: criteria provided, single submitter. Criteria: Invitae Variant Classification Sherloc (09022015). Collection method: clinical testing. Allele origin: germline.
Comment: This sequence change affects a donor splice site in intron 3 of the NBAS gene. It is expected to disrupt RNA splicing. Variants that disrupt the donor or acceptor splice site typically lead to a loss of protein function (PMID: 16199547), and loss-of-function variants in NBAS are known to be pathogenic (PMID: 26073778, 26541327, 27789416, 28031453). This variant is present in population databases (rs773409140, gnomAD 0.009%). Disruption of this splice site has been observed in individual(s) with infantile liver failure (PMID: 29207168). ClinVar contains an entry for this variant (Variation ID: 2003157). Algorithms developed to predict the effect of sequence changes on RNA splicing suggest that this variant may disrupt the consensus splice site. In summary, the currently available evidence indicates that the variant is pathogenic, but additional data are needed to prove that conclusively. Therefore, this variant has been classified as Likely Pathogenic.

Literature cited by the submitters: PubMed 16199547 (cited by Labcorp Genetics (formerly Invitae), Labcorp); PubMed 26073778 (cited by Labcorp Genetics (formerly Invitae), Labcorp); PubMed 26541327 (cited by Labcorp Genetics (formerly Invitae), Labcorp); PubMed 27789416 (cited by Labcorp Genetics (formerly Invitae), Labcorp); PubMed 28031453 (cited by Labcorp Genetics (formerly Invitae), Labcorp); PubMed 29207168 (cited by Labcorp Genetics (formerly Invitae), Labcorp).